The following is an entry in ClinVar:

ClinVar aggregate classification (germline): Likely benign. Review status: criteria provided, multiple submitters, no conflicts (2 of 4 stars). 3 submissions from 3 submitters: Likely benign (3). Last evaluated 2025-01-22.

Conditions:
Hereditary cancer-predisposing syndrome. Also called: Neoplastic Syndromes, Hereditary; Hereditary Cancer Syndrome; Tumor predisposition; Hereditary neoplastic syndrome. Identifiers: Orphanet 140162, MedGen C0027672, MeSH D009386, MONDO:0015356.
Familial cancer of breast. Also called: Hereditary breast cancer; BREAST CANCER, FAMILIAL; hereditary breast carcinoma. Identifiers: Orphanet 227535, MedGen C0346153, MONDO:0016419, OMIM 114480. Disease mechanism: loss of function.

Submissions (3):

Myriad Genetics, Inc.
Classification: Likely benign for Familial cancer of breast. Last evaluated: 2025-01-22. Review status: criteria provided, single submitter. Criteria: Myriad Autosomal Dominant, Autosomal Recessive and X-Linked Classification Criteria (2023). Collection method: clinical testing. Allele origin: unknown.
Comment: This variant is considered likely benign. This variant is intronic and is not expected to impact mRNA splicing.

Labcorp Genetics (formerly Invitae), Labcorp
Classification: Likely benign for Familial cancer of breast. Last evaluated: 2024-05-21. Review status: criteria provided, single submitter. Criteria: Invitae Variant Classification Sherloc (09022015). Collection method: clinical testing. Allele origin: germline.

Color Diagnostics, LLC DBA Color Health
Classification: Likely benign for Hereditary cancer-predisposing syndrome. Last evaluated: 2018-12-03. Review status: criteria provided, single submitter. Criteria: ACMG Guidelines, 2015. Collection method: clinical testing. Allele origin: germline.

NM_024675.4(PALB2):c.3350+9G>A

Gene: PALB2 (partner and localizer of BRCA2; minus strand). Cytogenetic location: 16p12.2.
Variant type: single nucleotide variant.
Coding change: c.3350+9G>A on transcript NM_024675.4 (MANE Select); 9 bases into the intron after coding-DNA position 3350, G replaced by A.
Molecular consequence: intron variant.
Genome position (GRCh38, 1-based): chr16:23,607,855, C>T on the plus strand (G>A on the coding strand, the complement: PALB2 is on the minus strand). VCF-style: chr16-23607855-C-T. GRCh37 (hg19) VCF-style: chr16-23619176-C-T.
Identifiers: ClinVar variation 927309 (VCV000927309.9), dbSNP rs1966504683, ClinGen allele CA913188702.